The following is an entry in ClinVar:

NM_015557.3(CHD5):c.3451C>T (p.Arg1151Trp)

Gene: CHD5 (chromodomain helicase DNA binding protein 5; minus strand). Cytogenetic location: 1p36.31.
Variant type: single nucleotide variant.
Coding change: c.3451C>T on transcript NM_015557.3 (MANE Select); coding-DNA position 3451, C replaced by T.
Protein change: p.Arg1151Trp; replaces arginine 1151 with tryptophan.
Molecular consequence: missense variant.
Genome position (GRCh38, 1-based): chr1:6,129,006, G>A on the plus strand (C>T on the coding strand, the complement: CHD5 is on the minus strand). VCF-style: chr1-6129006-G-A. GRCh37 (hg19) VCF-style: chr1-6189066-G-A.
Other names: short protein forms R1151W.
Identifiers: ClinVar variation 4839490 (VCV004839490.1).

ClinVar aggregate classification (germline): Uncertain significance (1 of 4 stars; one submission).

Conditions:
Inborn genetic diseases. Identifiers: MedGen C0950123, MeSH D030342.

gnomAD v4.1: 4 of 1,611,724 alleles (0.00025%); highest among the groups gnomAD compares: Non-Finnish European, 0.00034%; no homozygotes.

Submission:

Ambry Genetics
Classification: Uncertain significance for Inborn genetic diseases. Last evaluated: 2026-01-21. Review status: criteria provided, single submitter. Criteria: Ambry Variant Classification Scheme 2023. Collection method: clinical testing. Allele origin: germline.
Comment: The c.3451C>T (p.R1151W) alteration is located in exon 23 (coding exon 23) of the CHD5 gene. This alteration results from a C to T substitution at nucleotide position 3451, causing the arginine (R) at amino acid position 1151 to be replaced by a tryptophan (W). Based on data from gnomAD, the T allele has an overall frequency of <0.001% (1/249274) total alleles studied. The highest observed frequency was 0.001% (1/112858) of European (non-Finnish) alleles. Based on insufficient or conflicting evidence, the clinical significance of this alteration remains unclear.